The following is an entry in ClinVar:

ClinVar aggregate classification (germline): Uncertain significance (1 of 4 stars; one submission).

Conditions:
Episodic kinesigenic dyskinesia (EKD). Also called: Paroxysmal kinesigenic dyskinesia. Identifiers: Orphanet 98809, MedGen C1868682, MONDO:0044202.

Submission:

Labcorp Genetics (formerly Invitae), Labcorp
Classification: Uncertain significance for Episodic kinesigenic dyskinesia. Last evaluated: 2025-04-29. Review status: criteria provided, single submitter. Criteria: Invitae Variant Classification Sherloc (09022015). Collection method: clinical testing. Allele origin: germline.
Comment: This sequence change replaces aspartic acid, which is acidic and polar, with tyrosine, which is neutral and polar, at codon 165 of the PRRT2 protein (p.Asp165Tyr). This variant is present in population databases (no rsID available, gnomAD 0.0009%). This variant has not been reported in the literature in individuals affected with PRRT2-related conditions. ClinVar contains an entry for this variant (Variation ID: 2160154). Invitae Evidence Modeling of protein sequence and biophysical properties (such as structural, functional, and spatial information, amino acid conservation, physicochemical variation, residue mobility, and thermodynamic stability) indicates that this missense variant is not expected to disrupt PRRT2 protein function with a negative predictive value of 95%. In summary, the available evidence is currently insufficient to determine the role of this variant in disease. Therefore, it has been classified as a Variant of Uncertain Significance.

NM_145239.3(PRRT2):c.493G>T (p.Asp165Tyr)

Genes: MVP-DT (MVP divergent transcript; minus strand), PRRT2 (proline rich transmembrane protein 2; plus strand). Cytogenetic location: 16p11.2.
Variant type: single nucleotide variant.
Coding change: c.493G>T on transcript NM_145239.3 (MANE Select); coding-DNA position 493, G replaced by T.
Protein change: p.Asp165Tyr; replaces aspartic acid 165 with tyrosine.
Molecular consequence: missense variant.
Genome position (GRCh38, 1-based): chr16:29,813,547, G>T. VCF-style: chr16-29813547-G-T. GRCh37 (hg19) VCF-style: chr16-29824868-G-T.
Other names: c.493G>T, p.Asp165Tyr (NM_001256442.2, NM_001256443.2); short protein forms D165Y.
Identifiers: ClinVar variation 2160154 (VCV002160154.4), dbSNP rs1319381076, ClinGen allele CA395478814.